The following is an entry in ClinVar:

ClinVar aggregate classification (germline): Uncertain significance (1 of 4 stars; one submission).

Conditions:
Bardet-Biedl syndrome (BBS). Identifiers: Orphanet 110, MedGen C0752166, MONDO:0015229.

Submission:

Labcorp Genetics (formerly Invitae), Labcorp
Classification: Uncertain significance for Bardet-Biedl syndrome. Last evaluated: 2024-12-07. Review status: criteria provided, single submitter. Criteria: Invitae Variant Classification Sherloc (09022015). Collection method: clinical testing. Allele origin: germline.
Comment: This sequence change falls in intron 4 of the BBS7 gene. It does not directly change the encoded amino acid sequence of the BBS7 protein. It affects a nucleotide within the consensus splice site. This variant is not present in population databases (gnomAD no frequency). This variant has not been reported in the literature in individuals affected with BBS7-related conditions. Variants that disrupt the consensus splice site are a relatively common cause of aberrant splicing (PMID: 17576681, 9536098). Algorithms developed to predict the effect of sequence changes on RNA splicing suggest that this variant may disrupt the consensus splice site. In summary, the available evidence is currently insufficient to determine the role of this variant in disease. Therefore, it has been classified as a Variant of Uncertain Significance.

Literature cited by the submitters: PubMed 17576681; PubMed 9536098.

NM_176824.3(BBS7):c.341+6T>G

Gene: BBS7 (Bardet-Biedl syndrome 7; minus strand). Cytogenetic location: 4q27.
Variant type: single nucleotide variant.
Coding change: c.341+6T>G on transcript NM_176824.3 (MANE Select); 6 bases into the intron after coding-DNA position 341, T replaced by G.
Molecular consequence: intron variant.
Genome position (GRCh38, 1-based): chr4:121,861,498, A>C on the plus strand (T>G on the coding strand, the complement: BBS7 is on the minus strand). VCF-style: chr4-121861498-A-C. GRCh37 (hg19) VCF-style: chr4-122782653-A-C.
Other names: c.341+6T>G (NM_018190.4).
Identifiers: ClinVar variation 3722252 (VCV003722252.2).